The following is an entry in ClinVar:

NM_005220.3(DLX3):c.*1410G>A

Gene: DLX3 (distal-less homeobox 3; minus strand). Cytogenetic location: 17q21.33.
Variant type: single nucleotide variant.
Coding change: c.*1410G>A on transcript NM_005220.3 (MANE Select); 1410 bases downstream of the stop codon, G replaced by A.
Molecular consequence: 3 prime UTR variant.
Genome position (GRCh38, 1-based): chr17:49,990,107, C>T on the plus strand (G>A on the coding strand, the complement: DLX3 is on the minus strand). VCF-style: chr17-49990107-C-T. GRCh37 (hg19) VCF-style: chr17-48067471-C-T.
Identifiers: ClinVar variation 891091 (VCV000891091.4), dbSNP rs564135525, ClinGen allele CA291504500.

ClinVar aggregate classification (germline): Benign (1 of 4 stars; one submission).

Conditions:
Hypomaturation-hypoplastic amelogenesis imperfecta with taurodontism. Also called: Amelogenesis imperfecta, type IV. Identifiers: Orphanet 100034, Orphanet 88661, MedGen C1863012, MONDO:0007093, OMIM 104510. Disease mechanism: loss of function.

Allele frequency attached by ClinVar (database versions not stated): gnomAD 0.00186 and 0.00206; 1000 Genomes Project 0.00200; 1000 Genomes Project 30x 0.00250; TOPMed 0.00258.

Submission:

Illumina Laboratory Services, Illumina
Classification: Benign for Hypomaturation-hypoplastic amelogenesis imperfecta with taurodontism. Last evaluated: 2018-01-12. Review status: criteria provided, single submitter. Criteria: ICSL Variant Classification Criteria 13 December 2019. Collection method: clinical testing. Allele origin: germline.
Comment: This variant was observed in the ICSL laboratory as part of a predisposition screen in an ostensibly healthy population. It had not been previously curated by ICSL or reported in the Human Gene Mutation Database (HGMD: prior to June 1st, 2018), and was therefore a candidate for classification through an automated scoring system. Utilizing variant allele frequency, disease prevalence and penetrance estimates, and inheritance mode, an automated score was calculated to assess if this variant is too frequent to cause the disease. Based on the score and internal cut-off values, a variant classified as benign is not then subjected to further curation. The score for this variant resulted in a classification of benign for this disease.